The following is an entry in ClinVar:

ClinVar aggregate classification (germline): Uncertain significance (1 of 4 stars; one submission).

Conditions:
Cardiovascular phenotype. Identifiers: MedGen CN230736.

gnomAD v4.1: 1 of 1,613,346 alleles (0.000062%); highest among the groups gnomAD compares: African/African-American, 0.0013%; no homozygotes.

Submission:

Ambry Genetics
Classification: Uncertain significance for Cardiovascular phenotype. Last evaluated: 2025-11-02. Review status: criteria provided, single submitter. Criteria: Ambry Variant Classification Scheme 2023. Collection method: clinical testing. Allele origin: germline.
Comment: The p.I168K variant (also known as c.503T>A), located in coding exon 5 of the TECRL gene, results from a T to A substitution at nucleotide position 503. The isoleucine at codon 168 is replaced by lysine, an amino acid with dissimilar properties. This amino acid position is conserved. In addition, this alteration is predicted to be deleterious by in silico analysis. Based on the available evidence, the clinical significance of this variant remains unclear.

NM_001010874.5(TECRL):c.503T>A (p.Ile168Lys)

Gene: TECRL (trans-2,3-enoyl-CoA reductase like; minus strand). Cytogenetic location: 4q13.1.
Variant type: single nucleotide variant.
Coding change: c.503T>A on transcript NM_001010874.5 (MANE Select); coding-DNA position 503, T replaced by A.
Protein change: p.Ile168Lys; replaces isoleucine 168 with lysine.
Molecular consequence: missense variant.
Genome position (GRCh38, 1-based): chr4:64,314,696, A>T on the plus strand (T>A on the coding strand, the complement: TECRL is on the minus strand). VCF-style: chr4-64314696-A-T. GRCh37 (hg19) VCF-style: chr4-65180414-A-T.
Other names: c.503T>A, p.Ile168Lys (NM_001363796.1); short protein forms I168K.
Identifiers: ClinVar variation 4615097 (VCV004615097.1).